The following is an entry in ClinVar:

NM_000038.6(APC):c.6680G>T (p.Gly2227Val)

Gene: APC (APC regulator of Wnt signaling pathway; plus strand). Cytogenetic location: 5q22.2.
Variant type: single nucleotide variant.
Coding change: c.6680G>T on transcript NM_000038.6 (MANE Select); coding-DNA position 6680, G replaced by T.
Protein change: p.Gly2227Val; replaces glycine 2227 with valine.
Molecular consequence: missense variant.
Genome position (GRCh38, 1-based): chr5:112,842,274, G>T. VCF-style: chr5-112842274-G-T. GRCh37 (hg19) VCF-style: chr5-112177971-G-T.
Other names: c.6680G>T, p.Gly2227Val (NM_001127510.3, NM_001354895.2); c.6626G>T, p.Gly2209Val (NM_001127511.3); c.6734G>T, p.Gly2245Val (NM_001354896.2); c.6710G>T, p.Gly2237Val (NM_001354897.2); c.6605G>T, p.Gly2202Val (NM_001354898.2); c.6596G>T, p.Gly2199Val (NM_001354899.2); c.6557G>T, p.Gly2186Val (NM_001354900.2); c.6503G>T, p.Gly2168Val (NM_001354901.2); and 5 more; short protein forms G2209V, G2227V, G2126V, G2202V, G2237V, G2136V, G2168V, G2199V.
Identifiers: ClinVar variation 186972 (VCV000186972.11), dbSNP rs786203367, ClinGen allele CA012379.

ClinVar aggregate classification (germline): Uncertain significance. Review status: criteria provided, multiple submitters, no conflicts (2 of 4 stars). 3 submissions from 3 submitters: Uncertain significance (3). Last evaluated 2025-09-25.

Conditions:
Hereditary cancer-predisposing syndrome. Also called: Neoplastic Syndromes, Hereditary; Tumor predisposition; Hereditary Cancer Syndrome; Hereditary neoplastic syndrome. Identifiers: Orphanet 140162, MedGen C0027672, MeSH D009386, MONDO:0015356.
Familial adenomatous polyposis 1 (FAP1). Also called: FAMILIAL ADENOMATOUS POLYPOSIS 1, ATTENUATED; POLYPOSIS, ADENOMATOUS INTESTINAL. Identifiers: MedGen C2713442, MONDO:0021056, OMIM 175100. Disease mechanism: loss of function.

Submissions (3):

Ambry Genetics
Classification: Uncertain significance for Hereditary cancer-predisposing syndrome. Last evaluated: 2025-09-25. Review status: criteria provided, single submitter. Criteria: Ambry Variant Classification Scheme 2023. Collection method: clinical testing. Allele origin: germline.
Comment: The p.G2227V variant (also known as c.6680G>T), located in coding exon 15 of the APC gene, results from a G to T substitution at nucleotide position 6680. The glycine at codon 2227 is replaced by valine, an amino acid with dissimilar properties. This amino acid position is highly conserved in available vertebrate species. In addition, in silico predictors for this gene do not accurately predict pathogenicity. Missense variants in APC are not a common cause of disease (Spier I et al. Genet Med. 2024 Feb;26(2):100992). Based on the available evidence, the clinical significance of this variant remains unclear.

Baylor Genetics
Classification: Uncertain significance for Familial adenomatous polyposis 1. Last evaluated: 2023-05-06. Review status: criteria provided, single submitter. Criteria: ACMG Guidelines, 2015. Collection method: clinical testing. Allele origin: unknown.

Labcorp Genetics (formerly Invitae), Labcorp
Classification: Uncertain significance for Familial adenomatous polyposis 1. Last evaluated: 2022-07-12. Review status: criteria provided, single submitter. Criteria: Invitae Variant Classification Sherloc (09022015). Collection method: clinical testing. Allele origin: germline.
Comment: In summary, the available evidence is currently insufficient to determine the role of this variant in disease. Therefore, it has been classified as a Variant of Uncertain Significance. Algorithms developed to predict the effect of missense changes on protein structure and function are either unavailable or do not agree on the potential impact of this missense change (SIFT: "Deleterious"; PolyPhen-2: "Probably Damaging"; Align-GVGD: "Class C15"). ClinVar contains an entry for this variant (Variation ID: 186972). This missense change has been observed in individual(s) with clinical features of APC-related conditions (PMID: 24599579). This variant is not present in population databases (gnomAD no frequency). This sequence change replaces glycine, which is neutral and non-polar, with valine, which is neutral and non-polar, at codon 2227 of the APC protein (p.Gly2227Val).

Literature cited by the submitters: PubMed 24599579 (cited by Labcorp Genetics (formerly Invitae), Labcorp).